The following is an entry in ClinVar:

NM_058246.4(DNAJB6):c.611C>T (p.Thr204Ile)

Gene: DNAJB6 (DnaJ heat shock protein family (Hsp40) member B6; plus strand). Cytogenetic location: 7q36.3.
Variant type: single nucleotide variant.
Coding change: c.611C>T on transcript NM_058246.4 (MANE Select); coding-DNA position 611, C replaced by T.
Protein change: p.Thr204Ile; replaces threonine 204 with isoleucine.
Molecular consequence: missense variant. On other transcripts: intron variant (1).
Genome position (GRCh38, 1-based): chr7:157,384,999, C>T. VCF-style: chr7-157384999-C-T. GRCh37 (hg19) VCF-style: chr7-157177693-C-T.
Other names: c.611C>T, p.Thr204Ile (NM_005494.3); c.346+17516C>T (NM_001363676.1); short protein forms T204I.
Identifiers: ClinVar variation 2182332 (VCV002182332.4), dbSNP rs752308458, ClinGen allele CA4590567.
Genomic context (GRCh38, chr7:157,384,999, plus strand): 5'-GCATGGGCAACTTCAAATCGATATCAACTTCAACTAAAATGGTTAATGGCAGAAAAATCA[C>T]TACAAAGAGGTACTGTGGTATTCTGCATTTTATATTTTTAGTAAGCAGGCGTAACGTTTC-3'
Protein context (NP_490647.1, residues 194-214): STKMVNGRKI[Thr204Ile]TKRIVENGQE

ClinVar aggregate classification (germline): Uncertain significance (1 of 4 stars; one submission).

Conditions:
Autosomal dominant limb-girdle muscular dystrophy type 1D (DNAJB6) (LGMDD1). Also called: MUSCULAR DYSTROPHY, LIMB-GIRDLE, TYPE 1D; Autosomal dominant limb-girdle muscular dystrophy type 1D; Muscular dystrophy, limb-girdle, autosomal dominant 1; MUSCULAR DYSTROPHY, AUTOSOMAL DOMINANT, WITH RIMMED VACUOLES. Identifiers: Orphanet 34516, MedGen C4721885, MONDO:0021018, OMIM 603511.

Allele frequency attached by ClinVar (database versions not stated): gnomAD exomes 0.00001; ExAC 0.00002; TOPMed 0.00002; gnomAD 0.00003.
gnomAD v4.1: 11 of 1,613,906 alleles (0.00068%); highest among the groups gnomAD compares: African/African-American, 0.0053%; no homozygotes.

Submission:

Labcorp Genetics (formerly Invitae), Labcorp
Classification: Uncertain significance for Autosomal dominant limb-girdle muscular dystrophy type 1D (DNAJB6). Last evaluated: 2022-07-17. Review status: criteria provided, single submitter. Criteria: Invitae Variant Classification Sherloc (09022015). Collection method: clinical testing. Allele origin: germline.
Comment: In summary, the available evidence is currently insufficient to determine the role of this variant in disease. Therefore, it has been classified as a Variant of Uncertain Significance. Algorithms developed to predict the effect of missense changes on protein structure and function are either unavailable or do not agree on the potential impact of this missense change (SIFT: "Tolerated"; PolyPhen-2: "Not Available"; Align-GVGD: "Class C0"). This variant has not been reported in the literature in individuals affected with DNAJB6-related conditions. This variant is present in population databases (rs752308458, gnomAD 0.007%). This sequence change replaces threonine, which is neutral and polar, with isoleucine, which is neutral and non-polar, at codon 204 of the DNAJB6 protein (p.Thr204Ile).